The following is an entry in ClinVar:

NM_206937.2(LIG4):c.498A>G (p.Leu166=)

Gene: LIG4 (DNA ligase 4; minus strand). Cytogenetic location: 13q33.3.
Variant type: single nucleotide variant.
Coding change: c.498A>G on transcript NM_206937.2 (MANE Select); coding-DNA position 498, A replaced by G.
Protein change: p.Leu166=; no amino-acid change (leucine 166 retained).
Molecular consequence: synonymous variant.
Genome position (GRCh38, 1-based): chr13:108,210,771, T>C on the plus strand (A>G on the coding strand, the complement: LIG4 is on the minus strand). VCF-style: chr13-108210771-T-C. GRCh37 (hg19) VCF-style: chr13-108863119-T-C.
Other names: c.498A>G, p.Leu166= (NM_001098268.2, NM_001352598.2, NM_001352599.2 and 6 more transcripts); c.297A>G, p.Leu99= (NM_001330595.2); c.534A>G, p.Leu178= (NM_001352604.2).
Identifiers: ClinVar variation 2161906 (VCV002161906.6), dbSNP rs377150320, ClinGen allele CA7043834.

ClinVar aggregate classification (germline): Likely benign. Review status: criteria provided, single submitter (1 of 4 stars). 2 submissions from 2 submitters: Likely benign (1). 1 of the submissions does not count toward it. Last evaluated 2025-05-27.

Conditions:
LIG4-related disorder. Also called: LIG4-related condition; LIG4-related disorders. Identifiers: MedGen CN239380.
DNA ligase IV deficiency. Identifiers: Orphanet 99812, MedGen C1847827, MONDO:0011686, OMIM 606593.

Allele frequency attached by ClinVar (database versions not stated): gnomAD 0.00001; ExAC 0.00002; TOPMed 0.00003; ESP Exome Variant Server 0.00008.

Submissions (2):

Labcorp Genetics (formerly Invitae), Labcorp
Classification: Likely benign for DNA ligase IV deficiency. Last evaluated: 2025-05-27. Review status: criteria provided, single submitter. Criteria: Invitae Variant Classification Sherloc (09022015). Collection method: clinical testing. Allele origin: germline.

PreventionGenetics, part of Exact Sciences
Classification: Likely benign for LIG4-related condition. Last evaluated: 2019-05-08. Review status: no assertion criteria provided. Collection method: clinical testing. Allele origin: germline. Not counted in ClinVar's aggregate classification.
Comment: This variant is classified as likely benign based on ACMG/AMP sequence variant interpretation guidelines (Richards et al. 2015 PMID: 25741868, with internal and published modifications).